The following is an entry in ClinVar:

ClinVar aggregate classification (germline): Uncertain significance. Review status: criteria provided, single submitter (1 of 4 stars). 2 submissions from 2 submitters: Uncertain significance (1). 1 of the submissions does not count toward it. Last evaluated 2026-01-05.

Conditions:
SLC10A2-related disorder. Also called: SLC10A2-related condition.

Allele frequency attached by ClinVar (database versions not stated): ExAC 0.00003; TOPMed 0.00006; gnomAD 0.00007; ESP Exome Variant Server 0.00008.
gnomAD v4.1: 53 of 1,607,490 alleles (0.0033%); highest among the groups gnomAD compares: Middle Eastern, 0.066%; no homozygotes.

Submissions (2):

Labcorp Genetics (formerly Invitae), Labcorp
Classification: Uncertain significance. Last evaluated: 2026-01-05. Review status: criteria provided, single submitter. Criteria: Invitae Variant Classification Sherloc (09022015). Collection method: clinical testing. Allele origin: germline.
Comment: This sequence change replaces valine, which is neutral and non-polar, with isoleucine, which is neutral and non-polar, at codon 173 of the SLC10A2 protein (p.Val173Ile). This variant is present in population databases (rs200023797, gnomAD 0.01%). This variant has not been reported in the literature in individuals affected with SLC10A2-related conditions. ClinVar contains an entry for this variant (Variation ID: 2060999). Invitae Evidence Modeling of protein sequence and biophysical properties (such as structural, functional, and spatial information, amino acid conservation, physicochemical variation, residue mobility, and thermodynamic stability) indicates that this missense variant is not expected to disrupt SLC10A2 protein function with a negative predictive value of 80%. In summary, the available evidence is currently insufficient to determine the role of this variant in disease. Therefore, it has been classified as a Variant of Uncertain Significance.

PreventionGenetics, part of Exact Sciences
Classification: Uncertain significance for SLC10A2-related condition. Last evaluated: 2023-12-29. Review status: no assertion criteria provided. Collection method: clinical testing. Allele origin: germline. Not counted in ClinVar's aggregate classification.
Comment: The SLC10A2 c.517G>A variant is predicted to result in the amino acid substitution p.Val173Ile. To our knowledge, this variant has not been reported in the literature. This variant is reported in 0.013% of alleles in individuals of South Asian descent in gnomAD. At this time, the clinical significance of this variant is uncertain due to the absence of conclusive functional and genetic evidence.

NM_000452.3(SLC10A2):c.517G>A (p.Val173Ile)

Gene: SLC10A2 (solute carrier family 10 member 2; minus strand). Cytogenetic location: 13q33.1.
Variant type: single nucleotide variant.
Coding change: c.517G>A on transcript NM_000452.3 (MANE Select); coding-DNA position 517, G replaced by A.
Protein change: p.Val173Ile; replaces valine 173 with isoleucine.
Molecular consequence: missense variant.
Genome position (GRCh38, 1-based): chr13:103,052,688, C>T on the plus strand (G>A on the coding strand, the complement: SLC10A2 is on the minus strand). VCF-style: chr13-103052688-C-T. GRCh37 (hg19) VCF-style: chr13-103705038-C-T.
Other names: c.517G>A (NM_000452.2); short protein forms V173I.
Identifiers: ClinVar variation 2060999 (VCV002060999.6), dbSNP rs200023797, ClinGen allele CA7042170.
Genomic context (GRCh38, chr13:103,052,688, plus strand): 5'-TGATCTTTGCTTTTTGGGGCCATTTGTGATTAACAAACATTCCAATGGAAACAGGAACAA[C>T]GAGAGAAACCAGAGATGTACCTAAAGATGACAGAAGGGCAATGTGATCAGCAGAACAGGT-3'
Protein context (NP_000443.2, residues 163-183): DNIGTSLVSL[Val173Ile]VPVSIGMFVN